The following is an entry in ClinVar:

NM_022051.3(EGLN1):c.416C>T (p.Ala139Val)

Gene: EGLN1 (egl-9 family hypoxia inducible factor 1; minus strand). Cytogenetic location: 1q42.2.
Variant type: single nucleotide variant.
Coding change: c.416C>T on transcript NM_022051.3 (MANE Select); coding-DNA position 416, C replaced by T.
Protein change: p.Ala139Val; replaces alanine 139 with valine.
Molecular consequence: missense variant.
Genome position (GRCh38, 1-based): chr1:231,421,473, G>A on the plus strand (C>T on the coding strand, the complement: EGLN1 is on the minus strand). VCF-style: chr1-231421473-G-A. GRCh37 (hg19) VCF-style: chr1-231557219-G-A.
Other names: c.416C>T, p.Ala139Val (NM_001377260.1, NM_001377261.1); short protein forms A139V.
Identifiers: ClinVar variation 2993150 (VCV002993150.3), dbSNP rs914321399, ClinGen allele CA345237152.

ClinVar aggregate classification (germline): Uncertain significance (1 of 4 stars; one submission).

Conditions:
Erythrocytosis, familial, 3 (ECYT3). Identifiers: Orphanet 247511, MedGen C1853286, MONDO:0012353, OMIM 609820.

Allele frequency attached by ClinVar (database versions not stated): TOPMed below 0.00001.
gnomAD v4.1: 12 of 1,451,676 alleles (0.00083%); highest among the groups gnomAD compares: Non-Finnish European, 0.0011%; no homozygotes.

Submission:

Labcorp Genetics (formerly Invitae), Labcorp
Classification: Uncertain significance for Erythrocytosis, familial, 3. Last evaluated: 2023-02-16. Review status: criteria provided, single submitter. Criteria: Invitae Variant Classification Sherloc (09022015). Collection method: clinical testing. Allele origin: germline.
Comment: This sequence change replaces alanine, which is neutral and non-polar, with valine, which is neutral and non-polar, at codon 139 of the EGLN1 protein (p.Ala139Val). This variant is not present in population databases (gnomAD no frequency). This variant has not been reported in the literature in individuals affected with EGLN1-related conditions. An algorithm developed to predict the effect of missense changes on protein structure and function (PolyPhen-2) suggests that this variant is likely to be disruptive. In summary, the available evidence is currently insufficient to determine the role of this variant in disease. Therefore, it has been classified as a Variant of Uncertain Significance.